The following is an entry in ClinVar:

NM_003816.3(ADAM9):c.2119G>C (p.Val707Leu)

Gene: ADAM9 (ADAM metallopeptidase domain 9; plus strand). Cytogenetic location: 8p11.22.
Variant type: single nucleotide variant.
Coding change: c.2119G>C on transcript NM_003816.3 (MANE Select); coding-DNA position 2119, G replaced by C.
Protein change: p.Val707Leu; replaces valine 707 with leucine.
Molecular consequence: missense variant. On other transcripts: non-coding transcript variant (2).
Genome position (GRCh38, 1-based): chr8:39,090,097, G>C. VCF-style: chr8-39090097-G-C. GRCh37 (hg19) VCF-style: chr8-38947616-G-C.
Other names: short protein forms V707L.
Identifiers: ClinVar variation 2116942 (VCV002116942.4), dbSNP rs77773983, ClinGen allele CA4721808.

ClinVar aggregate classification (germline): Uncertain significance (1 of 4 stars; one submission).

gnomAD v4.1: 3 of 1,613,764 alleles (0.00019%); highest among the groups gnomAD compares: Admixed American, 0.0033%; no homozygotes.

Submission:

Labcorp Genetics (formerly Invitae), Labcorp
Classification: Uncertain significance. Last evaluated: 2022-08-31. Review status: criteria provided, single submitter. Criteria: Invitae Variant Classification Sherloc (09022015). Collection method: clinical testing. Allele origin: germline.
Comment: This sequence change replaces valine, which is neutral and non-polar, with leucine, which is neutral and non-polar, at codon 707 of the ADAM9 protein (p.Val707Leu). This variant is present in population databases (rs77773983, gnomAD 0.003%). This variant has not been reported in the literature in individuals affected with ADAM9-related conditions. Algorithms developed to predict the effect of missense changes on protein structure and function output the following: SIFT: "Tolerated"; PolyPhen-2: "Benign"; Align-GVGD: "Class C0". The leucine amino acid residue is found in multiple mammalian species, which suggests that this missense change does not adversely affect protein function. In summary, the available evidence is currently insufficient to determine the role of this variant in disease. Therefore, it has been classified as a Variant of Uncertain Significance.